The following is an entry in ClinVar:

ClinVar aggregate classification (germline): Conflicting classifications of pathogenicity. Review status: criteria provided, conflicting classifications (1 of 4 stars). 6 submissions from 6 submitters: Likely pathogenic (3); Likely risk allele (1); Uncertain significance (1). 1 of the submissions does not count toward it. Last evaluated 2025-01-23.

Conditions:
WFS1-related disorder. Identifiers: MedGen CN379391, MONDO:0700293.
Wolfram syndrome 1 (WFS1). Identifiers: Orphanet 3463, MedGen C4551693, MONDO:0009101, OMIM 222300.

Allele frequency attached by ClinVar (database versions not stated): TOPMed 0.00001.
gnomAD v4.1: 12 of 1,613,140 alleles (0.00074%); highest among the groups gnomAD compares: East Asian, 0.0022%; no homozygotes.

Submissions (6):

Labcorp Genetics (formerly Invitae), Labcorp
Classification: Likely pathogenic. Last evaluated: 2025-01-23. Review status: criteria provided, single submitter. Criteria: Invitae Variant Classification Sherloc (09022015). Collection method: clinical testing. Allele origin: germline.
Comment: This sequence change replaces arginine, which is basic and polar, with cysteine, which is neutral and slightly polar, at codon 177 of the WFS1 protein (p.Arg177Cys). The frequency data for this variant in the population databases is considered unreliable, as metrics indicate poor data quality at this position in the gnomAD database. This missense change has been observed in individual(s) with clinical features of autosomal recessive WFS1-related conditions and/or Wolfram syndrome (PMID: 29183106, 33841295, 37974252; internal data). In at least one individual the data is consistent with being in trans (on the opposite chromosome) from a pathogenic variant. ClinVar contains an entry for this variant (Variation ID: 809614). Invitae Evidence Modeling of protein sequence and biophysical properties (such as structural, functional, and spatial information, amino acid conservation, physicochemical variation, residue mobility, and thermodynamic stability) indicates that this missense variant is not expected to disrupt WFS1 protein function with a negative predictive value of 80%. This variant disrupts the p.Arg177 amino acid residue in WFS1. Other variant(s) that disrupt this residue have been determined to be pathogenic (PMID: 18660851). This suggests that this residue is clinically significant, and that variants that disrupt this residue are likely to be disease-causing. In summary, the currently available evidence indicates that the variant is pathogenic, but additional data are needed to prove that conclusively. Therefore, this variant has been classified as Likely Pathogenic.

Blueprint Genetics
Classification: Likely pathogenic for WFS1-related disorders. Last evaluated: 2023-09-27. Review status: criteria provided, single submitter. Criteria: ACMG Guidelines, 2015. Collection method: clinical testing. Allele origin: germline. Affected: yes. Observed: 5 variant alleles.

CeGaT Center for Human Genetics Tuebingen
Classification: Likely pathogenic. Last evaluated: 2023-07-01. Review status: criteria provided, single submitter. Criteria: CeGaT Center For Human Genetics Tuebingen Variant Classification Criteria Version 2. Collection method: clinical testing. Allele origin: germline. Affected: yes. Observed: 2 variant alleles.
Comment: WFS1: PM2, PM3, PM5, PP3

GeneDx
Classification: Uncertain significance. Last evaluated: 2020-09-11. Review status: criteria provided, single submitter. Criteria: GeneDx Variant Classification Process June 2021. Collection method: clinical testing. Allele origin: germline. Affected: yes.
Comment: Not observed at a significant frequency in large population cohorts (Lek et al., 2016); In silico analysis, which includes protein predictors and evolutionary conservation, supports a deleterious effect; This variant is associated with the following publications: (PMID: 29183106)

Clinical Genomics, Uppaluri K&H Personalized Medicine Clinic
Classification: Likely risk allele for Wolfram syndrome 1. Review status: criteria provided, single submitter. Criteria: K & H Uppaluri Personalized Medicine Clinic Variant Classification & Assertion Criteria_Updated V.1. Collection method: research. Allele origin: unknown. Inheritance: Autosomal recessive inheritance.
Comment: Potent mutations in WFS1 gene are associated with Wolfram's syndrome, an autosomal recessive condition, which cause diabetes mellitus, diabetes insipidus, deafness and optic atrophy. However no sufficient evidence is found to ascertain the role of this particular variant rs760631912 in Wolfram's syndrome yet.

PreventionGenetics, part of Exact Sciences
Classification: Likely pathogenic for WFS1-related condition. Last evaluated: 2024-03-13. Review status: no assertion criteria provided. Collection method: clinical testing. Allele origin: germline. Not counted in ClinVar's aggregate classification.
Comment: The WFS1 c.529C>T variant is predicted to result in the amino acid substitution p.Arg177Cys. This variant has been reported in the homozygous state in two unrelated individuals with Wolfram syndrome type 1 (Şıklar et al. 2018. PubMed ID: 29183106; Du et al. 2023. PubMed ID: 37974252). This variant has also been observed in the heterozygous state in a patient with optic atrophy (Charif et al. 2021. PubMed ID: 33841295). This variant is reported in a single individual (0.0029% of alleles) of Latino descent in gnomAD. Other missense variants at the same amino acid position (p.Arg177Pro, p.Arg177Ser) have been reported as disease-causing in multiple families with WFS1-related disease (Zenteno et al. 2008. PubMed ID: 18660851; Patel et al. 2022. PubMed ID: 34686905; Du et al. 2023. PubMed ID: 37974252). This variant is interpreted as likely pathogenic.

Literature cited by the submitters: PubMed 29183106 (cited by Labcorp Genetics (formerly Invitae), Labcorp); PubMed 33841295 (cited by Labcorp Genetics (formerly Invitae), Labcorp); PubMed 37974252 (cited by Labcorp Genetics (formerly Invitae), Labcorp); PubMed 18660851 (cited by Labcorp Genetics (formerly Invitae), Labcorp); PubMed 20738327 (cited by Clinical Genomics, Uppaluri K&H Personalized Medicine Clinic); PubMed 33879153 (cited by Clinical Genomics, Uppaluri K&H Personalized Medicine Clinic); PubMed 12955714 (cited by Clinical Genomics, Uppaluri K&H Personalized Medicine Clinic); PubMed 18060660 (cited by Clinical Genomics, Uppaluri K&H Personalized Medicine Clinic); PubMed 20301750 (cited by Clinical Genomics, Uppaluri K&H Personalized Medicine Clinic); PubMed 17603484 (cited by Clinical Genomics, Uppaluri K&H Personalized Medicine Clinic).

NM_006005.3(WFS1):c.529C>T (p.Arg177Cys)

Gene: WFS1 (wolframin ER transmembrane glycoprotein; plus strand). Cytogenetic location: 4p16.1.
Variant type: single nucleotide variant.
Coding change: c.529C>T on transcript NM_006005.3 (MANE Select); coding-DNA position 529, C replaced by T.
Protein change: p.Arg177Cys; replaces arginine 177 with cysteine.
Molecular consequence: missense variant.
Genome position (GRCh38, 1-based): chr4:6,291,265, C>T. VCF-style: chr4-6291265-C-T. GRCh37 (hg19) VCF-style: chr4-6292992-C-T.
Other names: c.529C>T, p.Arg177Cys (NM_001145853.1); short protein forms R177C.
Identifiers: ClinVar variation 809614 (VCV000809614.51), dbSNP rs760631912, ClinGen allele CA91794574.